The following is an entry in ClinVar:

ClinVar aggregate classification (germline): Conflicting classifications of pathogenicity. Review status: criteria provided, conflicting classifications (1 of 4 stars). 2 submissions from 2 submitters: Likely pathogenic (1); Uncertain significance (1). Last evaluated 2025-04-21.

Conditions:
Combined oxidative phosphorylation deficiency 48. Identifiers: MedGen C5436602, MONDO:0033566, OMIM 619012.

Allele frequency attached by ClinVar (database versions not stated): ExAC 0.00002; gnomAD 0.00002; TOPMed 0.00002.
gnomAD v4.1: 70 of 1,613,418 alleles (0.0043%); highest among the groups gnomAD compares: Non-Finnish European, 0.0057%; no homozygotes.

Submissions (2):

Labcorp Genetics (formerly Invitae), Labcorp
Classification: Uncertain significance. Last evaluated: 2025-04-21. Review status: criteria provided, single submitter. Criteria: Invitae Variant Classification Sherloc (09022015). Collection method: clinical testing. Allele origin: germline.
Comment: This sequence change creates a premature translational stop signal (p.Gln181*) in the NSUN3 gene. It is expected to result in an absent or disrupted protein product. However, the current clinical and genetic evidence is not sufficient to establish whether loss-of-function variants in NSUN3 cause disease. This variant is present in population databases (rs765943080, gnomAD 0.007%). This variant has not been reported in the literature in individuals affected with NSUN3-related conditions. ClinVar contains an entry for this variant (Variation ID: 1924899). Algorithms developed to predict the effect of sequence changes on RNA splicing suggest that this variant may disrupt the consensus splice site. In summary, the available evidence is currently insufficient to determine the role of this variant in disease. Therefore, it has been classified as a Variant of Uncertain Significance.

Breakthrough Genomics
Classification: Likely pathogenic for Combined oxidative phosphorylation deficiency 48. Last evaluated: 2022-11-02. Review status: criteria provided, single submitter. Criteria: ACMG Guidelines, 2015. Collection method: clinical testing. Allele origin: germline. Affected: yes.
Comment: This variant has not been previously reported in liretaure. However, other truncating/non sense variants have been reported as pathogenic in the context of combined oxidative phosphorylation deficiency 48 in the ClinVar database.

NM_022072.5(NSUN3):c.541C>T (p.Gln181Ter)

Gene: NSUN3 (NOP2/Sun RNA methyltransferase 3; plus strand). Cytogenetic location: 3q11.2.
Variant type: single nucleotide variant.
Coding change: c.541C>T on transcript NM_022072.5 (MANE Select); coding-DNA position 541, C replaced by T.
Protein change: p.Gln181Ter; replaces glutamine 181 with a stop codon.
Molecular consequence: nonsense.
Genome position (GRCh38, 1-based): chr3:94,094,214, C>T. VCF-style: chr3-94094214-C-T. GRCh37 (hg19) VCF-style: chr3-93813058-C-T.
Other names: p.Gln181Ter; short protein forms Q181*.
Identifiers: ClinVar variation 1924899 (VCV001924899.7), dbSNP rs765943080, ClinGen allele CA2504729.